The following is an entry in ClinVar:

ClinVar aggregate classification (germline): Uncertain significance (1 of 4 stars; one submission).

Submission:

Ambry Genetics
Classification: Uncertain significance. Last evaluated: 2022-01-02. Review status: criteria provided, single submitter. Criteria: Ambry Variant Classification Scheme 2023. Collection method: clinical testing. Allele origin: germline.
Comment: The p.R1345S variant (also known as c.4035G>C), located in coding exon 17 of the NPAT gene, results from a G to C substitution at nucleotide position 4035. The arginine at codon 1345 is replaced by serine, an amino acid with dissimilar properties. This amino acid position is conserved. In addition, this alteration is predicted to be tolerated by in silico analysis. Since supporting evidence is limited at this time, the clinical significance of this alteration remains unclear.

NM_002519.3(NPAT):c.4035G>C (p.Arg1345Ser)

Gene: NPAT (nuclear protein, coactivator of histone transcription; minus strand). Cytogenetic location: 11q22.3.
Variant type: single nucleotide variant.
Coding change: c.4035G>C on transcript NM_002519.3 (MANE Select); coding-DNA position 4035, G replaced by C.
Protein change: p.Arg1345Ser; replaces arginine 1345 with serine.
Molecular consequence: missense variant.
Genome position (GRCh38, 1-based): chr11:108,161,051, C>G on the plus strand (G>C on the coding strand, the complement: NPAT is on the minus strand). VCF-style: chr11-108161051-C-G. GRCh37 (hg19) VCF-style: chr11-108031778-C-G.
Other names: c.4056G>C, p.Arg1352Ser (NM_001321307.1); short protein forms R1345S, R1352S.
Identifiers: ClinVar variation 1737234 (VCV001737234.2), dbSNP rs2496693558, ClinGen allele CA382509506.